The following is an entry in ClinVar:

NM_001366521.1(ATP2B1):c.674C>A (p.Pro225Gln)

Gene: ATP2B1 (ATPase plasma membrane Ca2+ transporting 1; minus strand). Cytogenetic location: 12q21.33.
Variant type: single nucleotide variant.
Coding change: c.674C>A on transcript NM_001366521.1 (MANE Select); coding-DNA position 674, C replaced by A.
Protein change: p.Pro225Gln; replaces proline 225 with glutamine.
Molecular consequence: missense variant. On other transcripts: non-coding transcript variant (3), intron variant (5).
Genome position (GRCh38, 1-based): chr12:89,634,891, G>T on the plus strand (C>A on the coding strand, the complement: ATP2B1 is on the minus strand). VCF-style: chr12-89634891-G-T. GRCh37 (hg19) VCF-style: chr12-90028668-G-T.
Other names: c.221C>A, p.Pro74Gln (NM_001413057.1); c.674C>A, p.Pro225Gln (NM_001682.3, NM_001366523.1, NM_001366524.1 and 17 more transcripts); c.406+7267C>A (NM_001413060.1, NM_001366531.1, NM_001413058.1 and 2 more transcripts); c.476C>A, p.Pro159Gln (NM_001366530.1, NM_001413053.1); c.419C>A, p.Pro140Gln (NM_001413056.1); short protein forms P140Q, P159Q, P225Q, P74Q.
Identifiers: ClinVar variation 3384637 (VCV003384637.2).

ClinVar aggregate classification (germline): Uncertain significance. Review status: criteria provided, multiple submitters, no conflicts (2 of 4 stars). 2 submissions from 2 submitters: Uncertain significance (2). Last evaluated 2026-01-09.

Conditions:
Inborn genetic diseases. Identifiers: MedGen C0950123, MeSH D030342.

Submissions (2):

Ambry Genetics
Classification: Uncertain significance for Inborn genetic diseases. Last evaluated: 2026-01-09. Review status: criteria provided, single submitter. Criteria: Ambry Variant Classification Scheme 2023. Collection method: clinical testing. Allele origin: germline.

GeneDx
Classification: Uncertain significance. Last evaluated: 2024-06-04. Review status: criteria provided, single submitter. Criteria: GeneDx Variant Classification Process June 2021. Collection method: clinical testing. Allele origin: germline. Affected: yes.
Comment: Not observed at significant frequency in large population cohorts (gnomAD); In silico analysis supports that this missense variant has a deleterious effect on protein structure/function; Has not been previously published as pathogenic or benign to our knowledge